The following is an entry in ClinVar:

NM_005559.4(LAMA1):c.6724G>A (p.Val2242Ile)

Gene: LAMA1 (laminin subunit alpha 1; minus strand). Cytogenetic location: 18p11.31.
Variant type: single nucleotide variant.
Coding change: c.6724G>A on transcript NM_005559.4 (MANE Select); coding-DNA position 6724, G replaced by A.
Protein change: p.Val2242Ile; replaces valine 2242 with isoleucine.
Molecular consequence: missense variant.
Genome position (GRCh38, 1-based): chr18:6,973,107, C>T on the plus strand (G>A on the coding strand, the complement: LAMA1 is on the minus strand). VCF-style: chr18-6973107-C-T. GRCh37 (hg19) VCF-style: chr18-6973106-C-T.
Other names: short protein forms V2242I.
Identifiers: ClinVar variation 2444570 (VCV002444570.1), dbSNP rs2057665791, ClinGen allele CA401828562.

ClinVar aggregate classification (germline): Uncertain significance (1 of 4 stars; one submission).

Allele frequency attached by ClinVar (database versions not stated): TOPMed below 0.00001.

Submission:

GeneDx
Classification: Uncertain significance. Last evaluated: 2022-09-18. Review status: criteria provided, single submitter. Criteria: GeneDx Variant Classification Process June 2021. Collection method: clinical testing. Allele origin: germline. Affected: yes.
Comment: In silico analysis supports that this missense variant does not alter protein structure/function; Not observed at significant frequency in large population cohorts (gnomAD); Has not been previously published as pathogenic or benign to our knowledge